The following is an entry in ClinVar:

ClinVar aggregate classification (germline): Pathogenic (1 of 4 stars; one submission).

Submission:

Labcorp Genetics (formerly Invitae), Labcorp
Classification: Pathogenic. Last evaluated: 2023-10-03. Review status: criteria provided, single submitter. Criteria: Invitae Variant Classification Sherloc (09022015). Collection method: clinical testing. Allele origin: germline.
Comment: This sequence change creates a premature translational stop signal (p.Val208Glyfs*64) in the NTHL1 gene. While this is not anticipated to result in nonsense mediated decay, it is expected to disrupt the last 105 amino acid(s) of the NTHL1 protein. This variant is not present in population databases (gnomAD no frequency). This variant has not been reported in the literature in individuals affected with NTHL1-related conditions. ClinVar contains an entry for this variant (Variation ID: 936922). This variant disrupts a region of the NTHL1 protein in which other variant(s) (p.Gln287*) have been determined to be pathogenic (PMID: 27329137, 28912133, 30753826; Invitae). This suggests that this is a clinically significant region of the protein, and that variants that disrupt it are likely to be disease-causing. For these reasons, this variant has been classified as Pathogenic.

Literature cited by the submitters: PubMed 27329137; PubMed 28912133; PubMed 30753826.

NM_002528.7(NTHL1):c.599_600del (p.Val200fs)

Gene: NTHL1 (nth like DNA glycosylase 1; minus strand). Cytogenetic location: 16p13.3.
Variant type: Microsatellite.
Coding change: c.599_600del on transcript NM_002528.7 (MANE Select); coding-DNA positions 599 to 600, 2 bases deleted (TG; older notation c.599_600delTG).
Protein change: p.Val200fs; shifts the reading frame from valine 200.
Molecular consequence: frameshift variant.
Genome position (GRCh38, 1-based): chr16:2,043,652-2,043,653, CA deleted on the plus strand (TG on the coding strand, the reverse complement: NTHL1 is on the minus strand); deleting any 2 consecutive bases within chr16:2,043,652-2,043,655 gives the same sequence; the c. name uses the placement nearest the transcript's 3' end. VCF-style (leftmost placement, unchanged base first): chr16-2043651-CCA-C. GRCh37 (hg19) VCF-style: chr16-2093652-CCA-C.
Other names: c.428_429del, p.Val143fs (NM_001318193.2); c.269_270del, p.Val90fs (NM_001318194.2); short protein forms V143fs, V200fs, V90fs.
Identifiers: ClinVar variation 936922 (VCV000936922.9), dbSNP rs2084299537, ClinGen allele CA2202015536.